The following is an entry in ClinVar:

ClinVar aggregate classification (germline): Uncertain significance (1 of 4 stars; one submission).

Conditions:
Hypertrophic cardiomyopathy 14. Identifiers: MedGen C2750467, MONDO:0013197, OMIM 613251.

Submission:

Labcorp Genetics (formerly Invitae), Labcorp
Classification: Uncertain significance for Hypertrophic cardiomyopathy 14. Last evaluated: 2025-08-06. Review status: criteria provided, single submitter. Criteria: Invitae Variant Classification Sherloc (09022015). Collection method: clinical testing. Allele origin: germline.
Comment: This sequence change replaces glutamine, which is neutral and polar, with lysine, which is basic and polar, at codon 1292 of the MYH6 protein (p.Gln1292Lys). This variant is not present in population databases (gnomAD no frequency). This variant has not been reported in the literature in individuals affected with MYH6-related conditions. Invitae Evidence Modeling of protein sequence and biophysical properties (such as structural, functional, and spatial information, amino acid conservation, physicochemical variation, residue mobility, and thermodynamic stability) indicates that this missense variant is not expected to disrupt MYH6 protein function with a negative predictive value of 80%. In summary, the available evidence is currently insufficient to determine the role of this variant in disease. Therefore, it has been classified as a Variant of Uncertain Significance.

NM_002471.4(MYH6):c.3874C>A (p.Gln1292Lys)

Gene: MYH6 (myosin heavy chain 6; minus strand). Cytogenetic location: 14q11.2.
Variant type: single nucleotide variant.
Coding change: c.3874C>A on transcript NM_002471.4 (MANE Select); coding-DNA position 3874, C replaced by A.
Protein change: p.Gln1292Lys; replaces glutamine 1292 with lysine.
Molecular consequence: missense variant.
Genome position (GRCh38, 1-based): chr14:23,389,497, G>T on the plus strand (C>A on the coding strand, the complement: MYH6 is on the minus strand). VCF-style: chr14-23389497-G-T. GRCh37 (hg19) VCF-style: chr14-23858706-G-T.
Other names: short protein forms Q1292K.
Identifiers: ClinVar variation 4745196 (VCV004745196.1).